The following is an entry in ClinVar:

NM_005045.4(RELN):c.8542G>A (p.Asp2848Asn)

Genes: RELN (reelin; minus strand), SLC26A5-AS1 (SLC26A5 antisense RNA 1; plus strand). Cytogenetic location: 7q22.1.
Variant type: single nucleotide variant.
Coding change: c.8542G>A on transcript NM_005045.4 (MANE Select); coding-DNA position 8542, G replaced by A.
Protein change: p.Asp2848Asn; replaces aspartic acid 2848 with asparagine.
Molecular consequence: missense variant.
Genome position (GRCh38, 1-based): chr7:103,500,870, C>T on the plus strand (G>A on the coding strand, the complement: RELN is on the minus strand). VCF-style: chr7-103500870-C-T. GRCh37 (hg19) VCF-style: chr7-103141317-C-T.
Other names: c.8542G>A, p.Asp2848Asn (NM_173054.3); short protein forms D2848N.
Identifiers: ClinVar variation 999052 (VCV000999052.9), dbSNP rs147624295, ClinGen allele CA4420457.
Genomic context (GRCh38, chr7:103,500,870, plus strand): 5'-TTAAGCAATCTCCATGGCCCCTGCAGTTGTCCAAGCATCCAGGGCCCAGGTAGAAATTAT[C>T]GATTGCCCACTGCATGTCTGAGTACTTCTGATAGAACCTAAACCTTACCGGACTATTGAC-3'
Protein context (NP_005036.2, residues 2838-2858): QKYSDMQWAI[Asp2848Asn]NFYLGPGCLD

ClinVar aggregate classification (germline): Uncertain significance (1 of 4 stars; one submission).

Conditions:
Norman-Roberts syndrome (LIS2). Also called: Lissencephaly 2 (Norman-Roberts type). Identifiers: Orphanet 89844, MedGen C0796089, MONDO:0009760, OMIM 257320.
Familial temporal lobe epilepsy 7. Identifiers: Orphanet 101046, MedGen C4225327, MONDO:0014639, OMIM 616436.

Allele frequency attached by ClinVar (database versions not stated): gnomAD 0.00001; gnomAD exomes 0.00001 and 0.00002; ExAC 0.00002; TOPMed 0.00003; 1000 Genomes Project 30x 0.00016; 1000 Genomes Project 0.00020.
gnomAD v4.1: 10 of 1,614,102 alleles (0.00062%); highest among the groups gnomAD compares: Admixed American, 0.0033%; no homozygotes.

Submission:

Labcorp Genetics (formerly Invitae), Labcorp
Classification: Uncertain significance for Familial temporal lobe epilepsy 7; Norman-Roberts syndrome. Last evaluated: 2022-08-15. Review status: criteria provided, single submitter. Criteria: Invitae Variant Classification Sherloc (09022015). Collection method: clinical testing. Allele origin: germline.
Comment: In summary, the available evidence is currently insufficient to determine the role of this variant in disease. Therefore, it has been classified as a Variant of Uncertain Significance. Algorithms developed to predict the effect of missense changes on protein structure and function are either unavailable or do not agree on the potential impact of this missense change (SIFT: "Deleterious"; PolyPhen-2: "Possibly Damaging"; Align-GVGD: "Class C0"). ClinVar contains an entry for this variant (Variation ID: 999052). This variant has not been reported in the literature in individuals affected with RELN-related conditions. This variant is present in population databases (rs147624295, gnomAD 0.006%). This sequence change replaces aspartic acid, which is acidic and polar, with asparagine, which is neutral and polar, at codon 2848 of the RELN protein (p.Asp2848Asn).